The following is an entry in ClinVar:

ClinVar aggregate classification (germline): Uncertain significance (1 of 4 stars; one submission).

Submission:

Labcorp Genetics (formerly Invitae), Labcorp
Classification: Uncertain significance. Last evaluated: 2024-02-07. Review status: criteria provided, single submitter. Criteria: Invitae Variant Classification Sherloc (09022015). Collection method: clinical testing. Allele origin: germline.
Comment: This sequence change replaces glycine, which is neutral and non-polar, with valine, which is neutral and non-polar, at codon 3441 of the HERC1 protein (p.Gly3441Val). This variant is not present in population databases (gnomAD no frequency). This variant has not been reported in the literature in individuals affected with HERC1-related conditions. Advanced modeling of protein sequence and biophysical properties (such as structural, functional, and spatial information, amino acid conservation, physicochemical variation, residue mobility, and thermodynamic stability) performed at Invitae indicates that this missense variant is expected to disrupt HERC1 protein function with a positive predictive value of 80%. In summary, the available evidence is currently insufficient to determine the role of this variant in disease. Therefore, it has been classified as a Variant of Uncertain Significance.

NM_003922.4(HERC1):c.10322G>T (p.Gly3441Val)

Gene: HERC1 (HECT and RLD domain containing E3 ubiquitin protein ligase family member 1; minus strand). Cytogenetic location: 15q22.31.
Variant type: single nucleotide variant.
Coding change: c.10322G>T on transcript NM_003922.4 (MANE Select); coding-DNA position 10322, G replaced by T.
Protein change: p.Gly3441Val; replaces glycine 3441 with valine.
Molecular consequence: missense variant.
Genome position (GRCh38, 1-based): chr15:63,652,510, C>A on the plus strand (G>T on the coding strand, the complement: HERC1 is on the minus strand). VCF-style: chr15-63652510-C-A. GRCh37 (hg19) VCF-style: chr15-63944709-C-A.
Other names: short protein forms G3441V.
Identifiers: ClinVar variation 3673018 (VCV003673018.2).
Genomic context (GRCh38, chr15:63,652,510, plus strand): 5'-TGCTTCTTGGTAACATTCCATACGCGGATGGTGCCATCATTGCCACTTGTAGCCAAAAGA[C>A]CTTTTTTATTACACCAAACACATGTCATTACCTAGAAAAGTTGAAACAGGTAGTCTAATA-3'
Protein context (NP_003913.3, residues 3431-3451): VMTCVWCNKK[Gly3441Val]LLATSGNDGT